The following is an entry in ClinVar:

NM_004646.4(NPHS1):c.104G>A (p.Trp35Ter)

Genes: KIRREL2 (kirre like nephrin family adhesion molecule 2; plus strand), NPHS1 (NPHS1 adhesion molecule, nephrin; minus strand). Cytogenetic location: 19q13.12.
Variant type: single nucleotide variant.
Coding change: c.104G>A on transcript NM_004646.4 (MANE Select); coding-DNA position 104, G replaced by A.
Protein change: p.Trp35Ter; replaces tryptophan 35 with a stop codon.
Molecular consequence: nonsense.
Genome position (GRCh38, 1-based): chr19:35,851,627, C>T on the plus strand (G>A on the coding strand, the complement: NPHS1 is on the minus strand). VCF-style: chr19-35851627-C-T. GRCh37 (hg19) VCF-style: chr19-36342529-C-T.
Other names: short protein forms W35*.
Identifiers: ClinVar variation 2779659 (VCV002779659.3), dbSNP rs2513786285, ClinGen allele CA405412320.

ClinVar aggregate classification (germline): Pathogenic (1 of 4 stars; one submission).

Submission:

Labcorp Genetics (formerly Invitae), Labcorp
Classification: Pathogenic. Last evaluated: 2023-04-09. Review status: criteria provided, single submitter. Criteria: Invitae Variant Classification Sherloc (09022015). Collection method: clinical testing. Allele origin: germline.
Comment: For these reasons, this variant has been classified as Pathogenic. Algorithms developed to predict the effect of sequence changes on RNA splicing suggest that this variant may create or strengthen a splice site. This variant has not been reported in the literature in individuals affected with NPHS1-related conditions. This variant is not present in population databases (gnomAD no frequency). This sequence change creates a premature translational stop signal (p.Trp35*) in the NPHS1 gene. It is expected to result in an absent or disrupted protein product. Loss-of-function variants in NPHS1 are known to be pathogenic (PMID: 11317351, 11854170, 12039988).

Literature cited by the submitters: PubMed 11317351; PubMed 11854170; PubMed 12039988.